The following is an entry in ClinVar:

NM_000393.5(COL5A2):c.2533G>A (p.Val845Ile)

Gene: COL5A2 (collagen type V alpha 2 chain; minus strand). Cytogenetic location: 2q32.2.
Variant type: single nucleotide variant.
Coding change: c.2533G>A on transcript NM_000393.5 (MANE Select); coding-DNA position 2533, G replaced by A.
Protein change: p.Val845Ile; replaces valine 845 with isoleucine.
Molecular consequence: missense variant.
Genome position (GRCh38, 1-based): chr2:189,053,444, C>T on the plus strand (G>A on the coding strand, the complement: COL5A2 is on the minus strand). VCF-style: chr2-189053444-C-T. GRCh37 (hg19) VCF-style: chr2-189918170-C-T.
Other names: p.V845I:GTT>ATT; short protein forms V845I.
Identifiers: ClinVar variation 213107 (VCV000213107.20), dbSNP rs375124784, ClinGen allele CA320084.

ClinVar aggregate classification (germline): Conflicting classifications of pathogenicity. Review status: criteria provided, conflicting classifications (1 of 4 stars). 4 submissions from 4 submitters: Uncertain significance (3); Benign (1). Last evaluated 2025-12-19.

Conditions:
Ehlers-Danlos syndrome, classic type, 1 (EDSCL1). Also called: Ehlers-Danlos Syndrome, Classic Type, COL5A1-Related; EHLERS-DANLOS SYNDROME, GRAVIS TYPE; EHLERS-DANLOS SYNDROME, SEVERE CLASSIC TYPE; Ehlers-Danlos syndrome, type 1; EDS I. Identifiers: MedGen C0268335, MONDO:0019567, OMIM 130000.
Ehlers-Danlos syndrome, classic type, 2 (EDSCL2). Also called: Ehlers-Danlos Syndrome, Classic Type, COL5A2-Related; Ehlers-Danlos syndrome type 2 (formerly); Ehlers-Danlos syndrome, type 2. Identifiers: Orphanet 287, Orphanet 90318, MedGen C0268336, MONDO:0019568, OMIM 130010.
Familial thoracic aortic aneurysm and aortic dissection (TAAD). Also called: Thoracic aortic aneurysms and dissections. Identifiers: Orphanet 91387, MedGen C4707243, MONDO:0019625.

Allele frequency attached by ClinVar (database versions not stated): gnomAD exomes 0.00003 and 0.00004; gnomAD 0.00017 and 0.00019; TOPMed 0.00019; ExAC 0.00004; ESP Exome Variant Server 0.00008.
gnomAD v4.1: 65 of 1,613,742 alleles (0.004%); highest among the groups gnomAD compares: African/African-American, 0.081%; no homozygotes.

Submissions (4):

Labcorp Genetics (formerly Invitae), Labcorp
Classification: Benign for Ehlers-Danlos syndrome, classic type, 1. Last evaluated: 2025-12-19. Review status: criteria provided, single submitter. Criteria: Invitae Variant Classification Sherloc (09022015). Collection method: clinical testing. Allele origin: germline.

GeneDx
Classification: Uncertain significance. Last evaluated: 2022-09-09. Review status: criteria provided, single submitter. Criteria: GeneDx Variant Classification Process June 2021. Collection method: clinical testing. Allele origin: germline. Affected: yes.
Comment: Has not been previously published as pathogenic or benign to our knowledge; In silico analysis supports that this missense variant does not alter protein structure/function

Fulgent Genetics
Classification: Uncertain significance for Ehlers-Danlos syndrome, classic type, 2. Last evaluated: 2022-01-21. Review status: criteria provided, single submitter. Criteria: ACMG Guidelines, 2015. Collection method: clinical testing. Allele origin: unknown.

Ambry Genetics
Classification: Uncertain significance for Familial thoracic aortic aneurysm and aortic dissection. Last evaluated: 2016-04-22. Review status: criteria provided, single submitter. Criteria: Ambry Variant Classification Scheme 2023. Collection method: clinical testing. Allele origin: germline.
Comment: The p.V845I variant (also known as c.2533G>A), located in coding exon 38 of the COL5A2 gene, results from a G to A substitution at nucleotide position 2533. The valine at codon 845 is replaced by isoleucine, an amino acid with highly similar properties. This variant was previously reported in the SNPDatabase as rs375124784. Based on data from ExAC, the A allele has an overall frequency of approximately <0.01% (5/105805). Based on data from the NHLBI Exome Sequencing Project (ESP), the A allele has an overall frequency of approximately 0.01% (1/13006) total alleles studied, having been observed in 0.02% (1/4406) African American alleles. This amino acid position is well conserved in available vertebrate species. In addition, the in silico prediction for this alteration is inconclusive. Since supporting evidence is limited at this time, the clinical significance of this alteration remains unclear.